The following is an entry in ClinVar:

ClinVar aggregate classification (germline): Uncertain significance. Review status: criteria provided, multiple submitters, no conflicts (2 of 4 stars). 2 submissions from 2 submitters: Uncertain significance (2). Last evaluated 2025-11-10.

Conditions:
BAP1-related tumor predisposition syndrome (TPDS1). Also called: Tumor susceptibility linked to germline BAP1 mutations; BAP1 tumor predisposition syndrome; TUMOR PREDISPOSITION SYNDROME 1; COMMON Syndrome. Identifiers: Orphanet 289539, MedGen C3280492, MONDO:0013692, OMIM 614327.
Hereditary cancer-predisposing syndrome. Also called: Tumor predisposition; Hereditary neoplastic syndrome; Neoplastic Syndromes, Hereditary; Hereditary Cancer Syndrome. Identifiers: Orphanet 140162, MedGen C0027672, MeSH D009386, MONDO:0015356.

Submissions (2):

Labcorp Genetics (formerly Invitae), Labcorp
Classification: Uncertain significance for BAP1-related tumor predisposition syndrome. Last evaluated: 2025-11-10. Review status: criteria provided, single submitter. Criteria: Invitae Variant Classification Sherloc (09022015). Collection method: clinical testing. Allele origin: germline.
Comment: This sequence change replaces proline, which is neutral and non-polar, with arginine, which is basic and polar, at codon 510 of the BAP1 protein (p.Pro510Arg). This variant is not present in population databases (gnomAD no frequency). This variant has not been reported in the literature in individuals affected with BAP1-related conditions. ClinVar contains an entry for this variant (Variation ID: 3987121). Invitae Evidence Modeling of protein sequence and biophysical properties (such as structural, functional, and spatial information, amino acid conservation, physicochemical variation, residue mobility, and thermodynamic stability) indicates that this missense variant is not expected to disrupt BAP1 protein function with a negative predictive value of 80%. In summary, the available evidence is currently insufficient to determine the role of this variant in disease. Therefore, it has been classified as a Variant of Uncertain Significance.

Ambry Genetics
Classification: Uncertain significance for Hereditary cancer-predisposing syndrome. Last evaluated: 2025-05-24. Review status: criteria provided, single submitter. Criteria: Ambry Variant Classification Scheme 2023. Collection method: clinical testing. Allele origin: germline.
Comment: The p.P510R variant (also known as c.1529C>G), located in coding exon 13 of the BAP1 gene, results from a C to G substitution at nucleotide position 1529. The proline at codon 510 is replaced by arginine, an amino acid with dissimilar properties. This amino acid position is conserved. In addition, this alteration is predicted to be deleterious by in silico analysis. Based on the available evidence, the clinical significance of this variant remains unclear.

NM_004656.4(BAP1):c.1529C>G (p.Pro510Arg)

Gene: BAP1 (BRCA1 associated deubiquitinase 1; minus strand). Cytogenetic location: 3p21.1.
Variant type: single nucleotide variant.
Coding change: c.1529C>G on transcript NM_004656.4 (MANE Select); coding-DNA position 1529, C replaced by G.
Protein change: p.Pro510Arg; replaces proline 510 with arginine.
Molecular consequence: missense variant.
Genome position (GRCh38, 1-based): chr3:52,403,616, G>C on the plus strand (C>G on the coding strand, the complement: BAP1 is on the minus strand). VCF-style: chr3-52403616-G-C. GRCh37 (hg19) VCF-style: chr3-52437632-G-C.
Other names: c.1475C>G, p.Pro492Arg (NM_001410772.1); short protein forms P510R, P492R.
Identifiers: ClinVar variation 3987121 (VCV003987121.2).